The following is an entry in ClinVar:

ClinVar aggregate classification (germline): Conflicting classifications of pathogenicity. Review status: criteria provided, conflicting classifications (1 of 4 stars). 10 submissions from 10 submitters: Uncertain significance (9); Benign (1). Last evaluated 2026-02-11.

Conditions:
Hereditary nonpolyposis colorectal neoplasms. Identifiers: MedGen C0009405, MeSH D003123.
Hereditary cancer-predisposing syndrome. Also called: Hereditary Cancer Syndrome; Hereditary neoplastic syndrome; Neoplastic Syndromes, Hereditary; Tumor predisposition. Identifiers: Orphanet 140162, MedGen C0027672, MeSH D009386, MONDO:0015356.
Lynch syndrome. Identifiers: Orphanet 144, MedGen C4552100, MONDO:0005835. Disease mechanism: loss of function.
Lynch syndrome 4 (LYNCH4). Also called: Colorectal cancer, hereditary nonpolyposis, type 4; Hereditary non-polyposis colorectal cancer, type 4. Identifiers: Orphanet 144, MedGen C1838333, MONDO:0013699, OMIM 614337. Disease mechanism: loss of function.

Allele frequency attached by ClinVar (database versions not stated): gnomAD 0.00001; gnomAD exomes 0.00001 and 0.00002; TOPMed 0.00001.
gnomAD v4.1: 22 of 1,596,500 alleles (0.0014%); highest among the groups gnomAD compares: South Asian, 0.0034%; no homozygotes.

Submissions (10):

St. Jude Molecular Pathology, St. Jude Children's Research Hospital
Classification: Uncertain significance for Lynch syndrome 4. Last evaluated: 2026-02-11. Review status: criteria provided, single submitter. Criteria: St. Jude Assertion Criteria 2020. Collection method: clinical testing. Allele origin: germline.
Comment: The PMS2 c.994G>A (p.Val332Ile) missense change has a maximum subpopulation frequency of 0.0066% in gnomAD v2.1.1. The in silico tool REVEL is inconclusive about a pathogenic o r benign effect of this variant on protein function, and to our knowledge functional studies have not been performed. This variant has been reported in one individual with colorectal cancer (PMID: 28135145). In summary, the evidence currently available i s insufficient to determine the clinical significance of this variant. It has therefore been classified as of uncertain significance.

Labcorp Genetics (formerly Invitae), Labcorp
Classification: Benign for Hereditary nonpolyposis colorectal neoplasms. Last evaluated: 2026-01-11. Review status: criteria provided, single submitter. Criteria: Invitae Variant Classification Sherloc (09022015). Collection method: clinical testing. Allele origin: germline.

Ambry Genetics
Classification: Uncertain significance for Hereditary cancer-predisposing syndrome. Last evaluated: 2025-01-02. Review status: criteria provided, single submitter. Criteria: Ambry Variant Classification Scheme 2023. Collection method: clinical testing. Allele origin: germline.
Comment: The p.V332I variant (also known as c.994G>A), located in coding exon 10 of the PMS2 gene, results from a G to A substitution at nucleotide position 994. The valine at codon 332 is replaced by isoleucine, an amino acid with highly similar properties. This variant has been previously reported in an individual diagnosed with colorectal cancer (Yurgelun MB et al. J. Clin. Oncol., 2017 Apr;35:1086-1095). This amino acid position is well conserved in available vertebrate species. In addition, the in silico prediction for this alteration is inconclusive. Based on the available evidence, the clinical significance of this variant remains unclear.

Color Diagnostics, LLC DBA Color Health
Classification: Uncertain significance for Hereditary cancer-predisposing syndrome. Last evaluated: 2024-09-17. Review status: criteria provided, single submitter. Criteria: ACMG Guidelines, 2015. Collection method: clinical testing. Allele origin: germline.
Comment: This missense variant replaces valine with isoleucine at codon 332 of the PMS2 protein. Computational prediction suggests that this variant may not impact protein structure and function (internally defined REVEL score threshold <= 0.5, PMID: 27666373). To our knowledge, functional studies have not been reported for this variant. This variant has been reported in one individual affected with colorectal cancer (PMID: 28135145). This variant has been identified in 5/249848 chromosomes in the general population by the Genome Aggregation Database (gnomAD). The available evidence is insufficient to determine the role of this variant in disease conclusively. Therefore, this variant is classified as a Variant of Uncertain Significance.

All of Us Research Program, National Institutes of Health
Classification: Uncertain significance for Lynch syndrome. Last evaluated: 2024-05-30. Review status: criteria provided, single submitter. Criteria: ACMG Guidelines, 2015. Collection method: clinical testing. Allele origin: germline. Inheritance: Autosomal dominant inheritance. Observed: 4 variant alleles, 4 heterozygotes.
Comment: This missense variant replaces valine with isoleucine at codon 332 of the PMS2 protein. Computational prediction suggests that this variant may not impact protein structure and function (internally defined REVEL score threshold <= 0.5, PMID: 27666373). To our knowledge, functional studies have not been reported for this variant. This variant has been reported in one individual affected with colorectal cancer (PMID: 28135145). This variant has been identified in 5/249848 chromosomes in the general population by the Genome Aggregation Database (gnomAD). The available evidence is insufficient to determine the role of this variant in disease conclusively. Therefore, this variant is classified as a Variant of Uncertain Significance.

This study involves interpretation of variants in research participants for the purpose of population health screening. Participant phenotype was not available at the time of variant classification. Additional details can be found in publication PMID: 35346344, PMCID: PMC8962531

GeneDx
Classification: Uncertain significance. Last evaluated: 2024-03-18. Review status: criteria provided, single submitter. Criteria: GeneDx Variant Classification Process June 2021. Collection method: clinical testing. Allele origin: germline. Affected: yes.
Comment: In silico analysis supports that this missense variant does not alter protein structure/function; This variant is associated with the following publications: (PMID: 28135145, 11574484, 35449176)

Baylor Genetics
Classification: Uncertain significance for Lynch syndrome 4. Last evaluated: 2024-03-04. Review status: criteria provided, single submitter. Criteria: ACMG Guidelines, 2015. Collection method: clinical testing. Allele origin: unknown.

Quest Diagnostics Nichols Institute San Juan Capistrano
Classification: Uncertain significance. Last evaluated: 2019-10-25. Review status: criteria provided, single submitter. Criteria: Quest Diagnostics criteria. Collection method: clinical testing. Allele origin: unknown.

University of Washington Department of Laboratory Medicine, University of Washington
Classification: Uncertain significance for Lynch syndrome. Last evaluated: 2018-05-01. Review status: criteria provided, single submitter. Criteria: Shirts BH et al. (Am J Hum Genet 2018). Collection method: clinical testing. Allele origin: somatic. Affected: yes.
Comment: PMS2 NM_000535.5:c.994G>A has a 60.9% probability of pathogenicity based on combining prior probability from public data with a likelihood ratio of 1.56 to 1, generated from evidence of seeing this as a somatic mutation in a tumor without loss of heterozygosity at the PMS2 locus. See Shirts et al 2018, PMID 29887214.

Women's Health and Genetics/Laboratory Corporation of America, LabCorp
Classification: Uncertain significance. Last evaluated: 2017-03-16. Review status: criteria provided, single submitter. Criteria: LabCorp Variant Classification Summary - May 2015. Collection method: clinical testing. Allele origin: germline.
Comment: Variant summary: The PMS2 c.994G>A (p.Val332Ile) variant located in the Ribosomal protein S5 domain 2-type fold (via Interpro) causes a missense change involving the alteration of a conserved nucleotide and 4/5 in silico tools predict a benign outcome. However, these predictions have yet to be functionally assessed. This variant is absent in 113932 control chromosomes (ExAC, 1000 Gs, or ESP). The variant of interest has not, to our knowledge, been reported in affected individuals via publications and/or clinical diagnostic laboratories; nor evaluated for functional impact by in vivo/vitro studies. Because of the absence of clinical information and the lack of functional studies, the variant is classified as a "Variant of Uncertain Significance (VUS)," until additional information becomes available.

Literature cited by the submitters: PubMed 28135145 (cited by 4 submitters); PubMed 29887214 (cited by Quest Diagnostics Nichols Institute San Juan Capistrano).

NM_000535.7(PMS2):c.994G>A (p.Val332Ile)

Gene: PMS2 (PMS1 homolog 2, mismatch repair system component; minus strand). Cytogenetic location: 7p22.1.
Variant type: single nucleotide variant.
Coding change: c.994G>A on transcript NM_000535.7 (MANE Select); coding-DNA position 994, G replaced by A.
Protein change: p.Val332Ile; replaces valine 332 with isoleucine.
Molecular consequence: missense variant. On other transcripts: non-coding transcript variant (1), intron variant (2).
Genome position (GRCh38, 1-based): chr7:5,989,950, C>T on the plus strand (G>A on the coding strand, the complement: PMS2 is on the minus strand). VCF-style: chr7-5989950-C-T. GRCh37 (hg19) VCF-style: chr7-6029581-C-T.
Other names: c.589G>A, p.Val197Ile (NM_001322009.2, NM_001322003.2, NM_001322004.2 and 1 more transcripts); c.61G>A, p.Val21Ile (NM_001322011.2, NM_001322012.2); c.421G>A, p.Val141Ile (NM_001322013.2); c.994G>A, p.Val332Ile (NM_001322014.2); c.685G>A, p.Val229Ile (NM_001322015.2); c.583+2023G>A (NM_001322010.2); c.988+2023G>A (NM_001322006.2); c.676G>A, p.Val226Ile (NM_001322007.2, NM_001322008.2); short protein forms V332I, V226I, V229I, V141I, V197I, V21I.
Identifiers: ClinVar variation 455754 (VCV000455754.31), dbSNP rs1236095389, ClinGen allele CA366743032.